The following is an entry in ClinVar:

ClinVar aggregate classification (germline): Likely pathogenic (1 of 4 stars; one submission).

Conditions:
Hereditary cancer-predisposing syndrome. Also called: Hereditary Cancer Syndrome; Tumor predisposition; Hereditary neoplastic syndrome; Neoplastic Syndromes, Hereditary. Identifiers: Orphanet 140162, MedGen C0027672, MeSH D009386, MONDO:0015356.
Cardiovascular phenotype. Identifiers: MedGen CN230736.

Submission:

Ambry Genetics
Classification: Likely pathogenic for Cardiovascular phenotype; Hereditary cancer-predisposing syndrome. Last evaluated: 2024-09-28. Review status: criteria provided, single submitter. Criteria: Ambry Variant Classification Scheme 2023. Collection method: clinical testing. Allele origin: germline.
Comment: The c.7907+1dupG variant results from a duplication of one nucleotide at position 7907+1 and involves the canonical splice donor site after coding exon 53 of the NF1 gene. This variant has been observed in at least one individual with a personal and/or family history that is consistent with neurofibromatosis type 1 (Ambry internal data). The canonical splice donor site is highly conserved in available vertebrate species. In silico splice site analysis predicts that this alteration will weaken the native splice donor site and will result in the creation or strengthening of a novel splice donor site. RNA studies have demonstrated that this alteration results in abnormal splicing in the set of samples tested (Ambry internal data). This variant is considered to be rare based on population cohorts in the Genome Aggregation Database (gnomAD). Based on the majority of available evidence to date, this variant is likely to be pathogenic.

NM_001042492.3(NF1):c.7970+1dup

Gene: NF1 (neurofibromin 1; plus strand). Cytogenetic location: 17q11.2.
Variant type: Duplication.
Coding change: c.7970+1dup on transcript NM_001042492.3 (MANE Select); the canonical splice donor site of the intron after coding-DNA position 7970, one base duplicated (G; older notation c.7970+1dupG).
Molecular consequence: splice donor variant.
Genome position (GRCh38, 1-based): chr17:31,357,370, G duplicated. VCF-style (leftmost placement, unchanged base first): chr17-31357369-T-TG. GRCh37 (hg19) VCF-style: chr17-29684387-T-TG.
Other names: c.7907+1dup (NM_000267.4); c.7907+1dupG (NM_000267.3).
Identifiers: ClinVar variation 3404769 (VCV003404769.1).